The following is an entry in ClinVar:

NM_031407.7(HUWE1):c.6818A>G (p.Asn2273Ser)

Gene: HUWE1 (HECT, UBA and WWE domain containing E3 ubiquitin protein ligase 1; minus strand). Cytogenetic location: Xp11.22.
Variant type: single nucleotide variant.
Coding change: c.6818A>G on transcript NM_031407.7 (MANE Select); coding-DNA position 6818, A replaced by G.
Protein change: p.Asn2273Ser; replaces asparagine 2273 with serine.
Molecular consequence: missense variant.
Genome position (GRCh38, 1-based): chrX:53,565,129, T>C on the plus strand (A>G on the coding strand, the complement: HUWE1 is on the minus strand). VCF-style: chrX-53565129-T-C. GRCh37 (hg19) VCF-style: chrX-53592090-T-C.
Other names: short protein forms N2273S.
Identifiers: ClinVar variation 2898398 (VCV002898398.3), dbSNP rs1556944488, ClinGen allele CA413162246.

ClinVar aggregate classification (germline): Uncertain significance (1 of 4 stars; one submission).

Allele frequency attached by ClinVar (database versions not stated): gnomAD exomes below 0.00001; gnomAD 0.00001.
gnomAD v4.1: 5 of 1,210,140 alleles (0.00041%); highest among the groups gnomAD compares: East Asian, 0.0089%; no homozygotes.

Submission:

Labcorp Genetics (formerly Invitae), Labcorp
Classification: Uncertain significance. Last evaluated: 2023-06-29. Review status: criteria provided, single submitter. Criteria: Invitae Variant Classification Sherloc (09022015). Collection method: clinical testing. Allele origin: germline.
Comment: This variant is present in population databases (no rsID available, gnomAD 0.09%). This variant has not been reported in the literature in individuals affected with HUWE1-related conditions. Advanced modeling of protein sequence and biophysical properties (such as structural, functional, and spatial information, amino acid conservation, physicochemical variation, residue mobility, and thermodynamic stability) performed at Invitae indicates that this missense variant is not expected to disrupt HUWE1 protein function. In summary, the available evidence is currently insufficient to determine the role of this variant in disease. Therefore, it has been classified as a Variant of Uncertain Significance. This sequence change replaces asparagine, which is neutral and polar, with serine, which is neutral and polar, at codon 2273 of the HUWE1 protein (p.Asn2273Ser).